The following is an entry in ClinVar:

ClinVar aggregate classification (germline): Uncertain significance (1 of 4 stars; one submission).

Conditions:
Cardiovascular phenotype. Identifiers: MedGen CN230736.

Submission:

Ambry Genetics
Classification: Uncertain significance for Cardiovascular phenotype. Last evaluated: 2025-08-28. Review status: criteria provided, single submitter. Criteria: Ambry Variant Classification Scheme 2023. Collection method: clinical testing. Allele origin: germline.
Comment: The p.H52R variant (also known as c.155A>G), located in coding exon 2 of the AKAP9 gene, results from an A to G substitution at nucleotide position 155. The histidine at codon 52 is replaced by arginine, an amino acid with highly similar properties. This amino acid position is conserved. In addition, this alteration is predicted to be tolerated by in silico analysis. Based on the available evidence, the clinical significance of this variant remains unclear.

NM_005751.5(AKAP9):c.155A>G (p.His52Arg)

Gene: AKAP9 (A-kinase anchoring protein 9; plus strand). Cytogenetic location: 7q21.2.
Variant type: single nucleotide variant.
Coding change: c.155A>G on transcript NM_005751.5 (MANE Select); coding-DNA position 155, A replaced by G.
Protein change: p.His52Arg; replaces histidine 52 with arginine.
Molecular consequence: missense variant.
Genome position (GRCh38, 1-based): chr7:91,973,817, A>G. VCF-style: chr7-91973817-A-G. GRCh37 (hg19) VCF-style: chr7-91603131-A-G.
Other names: c.155A>G, p.His52Arg (NM_147185.3); short protein forms H52R.
Identifiers: ClinVar variation 4265353 (VCV004265353.1).